The following is an entry in ClinVar:

NM_177972.3(TUB):c.1159G>T (p.Val387Leu)

Genes: RIC3 (RIC3 acetylcholine receptor chaperone; minus strand), TUB (TUB bipartite transcription factor; plus strand). Cytogenetic location: 11p15.4.
Variant type: single nucleotide variant.
Coding change: c.1159G>T on transcript NM_177972.3 (MANE Select); coding-DNA position 1159, G replaced by T.
Protein change: p.Val387Leu; replaces valine 387 with leucine.
Molecular consequence: missense variant.
Genome position (GRCh38, 1-based): chr11:8,100,545, G>T. VCF-style: chr11-8100545-G-T. GRCh37 (hg19) VCF-style: chr11-8122092-G-T.
Other names: c.1324G>T, p.Val442Leu (NM_003320.5); c.1324G>T (NM_003320.4); short protein forms V442L, V387L.
Identifiers: ClinVar variation 1471891 (VCV001471891.5), dbSNP rs1214536528, ClinGen allele CA379570981.
Genomic context (GRCh38, chr11:8,100,545, plus strand): 5'-TTGCGTTCTCTTTCCCAGGAGACAAACGTCTTAGGCTTCAAGGGGCCTCGGAAGATGAGC[G>T]TGATTGTCCCAGGCATGAACATGGTTCATGAGAGAGTCTCTATCCGCCCCCGCAACGTGA-3'
Protein context (NP_813977.1, residues 377-397): LGFKGPRKMS[Val387Leu]IVPGMNMVHE

ClinVar aggregate classification (germline): Uncertain significance. Review status: criteria provided, multiple submitters, no conflicts (2 of 4 stars). 2 submissions from 2 submitters: Uncertain significance (2). Last evaluated 2026-04-02.

Conditions:
TUB-related disorder. Also called: TUB-related condition.

gnomAD v4.1: 12 of 1,614,134 alleles (0.00074%); highest among the groups gnomAD compares: Non-Finnish European, 0.001%; no homozygotes.

Submissions (2):

PreventionGenetics, part of Exact Sciences
Classification: Uncertain significance for TUB-related condition. Last evaluated: 2026-04-02. Review status: criteria provided, single submitter. Criteria: ACMG Guidelines, 2015. Collection method: clinical testing. Allele origin: germline.
Comment: The TUB c.1324G>T variant is predicted to result in the amino acid substitution p.Val442Leu. To our knowledge, this variant has not been reported in the literature or in a large population database (gnomAD), indicating this variant is rare. At this time, the clinical significance of this variant is uncertain due to the absence of conclusive functional and genetic evidence.

Labcorp Genetics (formerly Invitae), Labcorp
Classification: Uncertain significance. Last evaluated: 2022-11-22. Review status: criteria provided, single submitter. Criteria: Invitae Variant Classification Sherloc (09022015). Collection method: clinical testing. Allele origin: germline.
Comment: This variant has not been reported in the literature in individuals affected with TUB-related conditions. In summary, the available evidence is currently insufficient to determine the role of this variant in disease. Therefore, it has been classified as a Variant of Uncertain Significance. Algorithms developed to predict the effect of missense changes on protein structure and function are either unavailable or do not agree on the potential impact of this missense change (SIFT: "Deleterious"; PolyPhen-2: "Probably Damaging"; Align-GVGD: "Class C0"). ClinVar contains an entry for this variant (Variation ID: 1471891). This variant is not present in population databases (gnomAD no frequency). This sequence change replaces valine, which is neutral and non-polar, with leucine, which is neutral and non-polar, at codon 442 of the TUB protein (p.Val442Leu).